The following is an entry in ClinVar:

NM_001111067.4(ACVR1):c.400G>T (p.Ala134Ser)

Gene: ACVR1 (activin A receptor type 1; minus strand). Cytogenetic location: 2q24.1.
Variant type: single nucleotide variant.
Coding change: c.400G>T on transcript NM_001111067.4 (MANE Select); coding-DNA position 400, G replaced by T.
Protein change: p.Ala134Ser; replaces alanine 134 with serine.
Molecular consequence: missense variant.
Genome position (GRCh38, 1-based): chr2:157,778,274, C>A on the plus strand (G>T on the coding strand, the complement: ACVR1 is on the minus strand). VCF-style: chr2-157778274-C-A. GRCh37 (hg19) VCF-style: chr2-158634786-C-A.
Other names: c.400G>T, p.Ala134Ser (NM_001105.5, NM_001347663.1, NM_001347664.1 and 3 more transcripts); short protein forms A134S.
Identifiers: ClinVar variation 2836751 (VCV002836751.3), dbSNP rs765195676, ClinGen allele CA349193011.

ClinVar aggregate classification (germline): Uncertain significance (1 of 4 stars; one submission).

gnomAD v4.1: 2 of 1,613,974 alleles (0.00012%); highest among the groups gnomAD compares: African/African-American, 0.0013%; no homozygotes.

Submission:

Labcorp Genetics (formerly Invitae), Labcorp
Classification: Uncertain significance. Last evaluated: 2023-02-13. Review status: criteria provided, single submitter. Criteria: Invitae Variant Classification Sherloc (09022015). Collection method: clinical testing. Allele origin: germline.
Comment: In summary, the available evidence is currently insufficient to determine the role of this variant in disease. Therefore, it has been classified as a Variant of Uncertain Significance. Algorithms developed to predict the effect of missense changes on protein structure and function (SIFT, PolyPhen-2, Align-GVGD) all suggest that this variant is likely to be tolerated. This variant has not been reported in the literature in individuals affected with ACVR1-related conditions. This variant is present in population databases (no rsID available, gnomAD 0.003%). This sequence change replaces alanine, which is neutral and non-polar, with serine, which is neutral and polar, at codon 134 of the ACVR1 protein (p.Ala134Ser).